The following is an entry in ClinVar:

NM_005445.4(SMC3):c.1962A>G (p.Glu654=)

Gene: SMC3 (structural maintenance of chromosomes 3; plus strand). Cytogenetic location: 10q25.2.
Variant type: single nucleotide variant.
Coding change: c.1962A>G on transcript NM_005445.4 (MANE Select); coding-DNA position 1962, A replaced by G.
Protein change: p.Glu654=; no amino-acid change (glutamic acid 654 retained).
Molecular consequence: synonymous variant.
Genome position (GRCh38, 1-based): chr10:110,593,222, A>G. VCF-style: chr10-110593222-A-G. GRCh37 (hg19) VCF-style: chr10-112352980-A-G.
Identifiers: ClinVar variation 5017820 (VCV005017820.1).

ClinVar aggregate classification (germline): Uncertain significance (1 of 4 stars; one submission).

Submission:

GeneDx
Classification: Uncertain significance. Last evaluated: 2026-03-28. Review status: criteria provided, single submitter. Criteria: GeneDx Variant Classification Process June 2021. Collection method: clinical testing. Allele origin: germline.
Comment: Not observed at significant frequency in large population cohorts (gnomAD); In silico analysis supports a deleterious effect on splicing; Has not been previously published as pathogenic or benign to our knowledge